The following is an entry in ClinVar:

ClinVar aggregate classification (germline): Likely benign (1 of 4 stars; one submission).

Allele frequency attached by ClinVar (database versions not stated): ExAC 0.00020; ESP Exome Variant Server 0.00023.
gnomAD v4.1: 740 of 1,604,676 alleles (0.046%); highest among the groups gnomAD compares: Non-Finnish European, 0.059%; no homozygotes.

Submission:

CeGaT Center for Human Genetics Tuebingen
Classification: Likely benign. Last evaluated: 2022-09-01. Review status: criteria provided, single submitter. Criteria: CeGaT Center For Human Genetics Tuebingen Variant Classification Criteria Version 2. Collection method: clinical testing. Allele origin: germline. Affected: yes. Observed: 1 variant allele.
Comment: CAPN9: BP4, BP7

NM_006615.3(CAPN9):c.390A>T (p.Ile130=)

Gene: CAPN9 (calpain 9; plus strand). Cytogenetic location: 1q42.2.
Variant type: single nucleotide variant.
Coding change: c.390A>T on transcript NM_006615.3 (MANE Select); coding-DNA position 390, A replaced by T.
Protein change: p.Ile130=; no amino-acid change (isoleucine 130 retained).
Molecular consequence: synonymous variant. On other transcripts: intron variant (1).
Genome position (GRCh38, 1-based): chr1:230,759,618, A>T. VCF-style: chr1-230759618-A-T. GRCh37 (hg19) VCF-style: chr1-230895364-A-T.
Other names: c.390A>T, p.Ile130= (NM_016452.3); c.214-3035A>T (NM_001319676.2).
Identifiers: ClinVar variation 2640070 (VCV002640070.24), dbSNP rs150539773, ClinGen allele CA1448570.